The following is an entry in ClinVar:

ClinVar aggregate classification (germline): Uncertain significance (1 of 4 stars; one submission).

Conditions:
Renal cell carcinoma. Identifiers: Orphanet 217071, MedGen C0007134, MeSH D002292, MONDO:0005086, HP:0005584.

Submission:

Labcorp Genetics (formerly Invitae), Labcorp
Classification: Uncertain significance for Renal cell carcinoma. Last evaluated: 2021-10-28. Review status: criteria provided, single submitter. Criteria: Invitae Variant Classification Sherloc (09022015). Collection method: clinical testing. Allele origin: germline.
Comment: This sequence change falls in intron 8 of the MET gene. It does not directly change the encoded amino acid sequence of the MET protein. It affects a nucleotide within the consensus splice site. In summary, the available evidence is currently insufficient to determine the role of this variant in disease. Therefore, it has been classified as a Variant of Uncertain Significance. Variants that disrupt the consensus splice site are a relatively common cause of aberrant splicing (PMID: 17576681, 9536098). Algorithms developed to predict the effect of sequence changes on RNA splicing suggest that this variant is not likely to affect RNA splicing. ClinVar contains an entry for this variant (Variation ID: 568790). This variant has not been reported in the literature in individuals affected with MET-related conditions. The frequency data for this variant in the population databases is considered unreliable, as metrics indicate poor data quality at this position in the gnomAD database.

Literature cited by the submitters: PubMed 17576681; PubMed 9536098.

NM_000245.4(MET):c.2103-3C>T

Gene: MET (MET proto-oncogene, receptor tyrosine kinase; plus strand). Cytogenetic location: 7q31.2.
Variant type: single nucleotide variant.
Coding change: c.2103-3C>T on transcript NM_000245.4 (MANE Select); 3 bases into the intron before coding-DNA position 2103, C replaced by T.
Molecular consequence: intron variant.
Genome position (GRCh38, 1-based): chr7:116,758,456, C>T. VCF-style: chr7-116758456-C-T. GRCh37 (hg19) VCF-style: chr7-116398510-C-T.
Other names: c.2103-3C>T (NM_001127500.3, NM_001324401.3); c.813-3C>T (NM_001324402.2).
Identifiers: ClinVar variation 568790 (VCV000568790.8), dbSNP rs1431679847, ClinGen allele CA577680695.